The following is an entry in ClinVar:

NM_139343.3(BIN1):c.1121C>T (p.Thr374Ile)

Gene: BIN1 (bridging integrator 1; minus strand). Cytogenetic location: 2q14.3.
Variant type: single nucleotide variant.
Coding change: c.1121C>T on transcript NM_139343.3 (MANE Select); coding-DNA position 1121, C replaced by T.
Protein change: p.Thr374Ile; replaces threonine 374 with isoleucine.
Molecular consequence: missense variant. On other transcripts: intron variant (9).
Genome position (GRCh38, 1-based): chr2:127,057,483, G>A on the plus strand (C>T on the coding strand, the complement: BIN1 is on the minus strand). VCF-style: chr2-127057483-G-A. GRCh37 (hg19) VCF-style: chr2-127815059-G-A.
Other names: c.1121C>T, p.Thr374Ile (NM_001320640.2); c.1028C>T, p.Thr343Ile (NM_001320641.2, NM_139347.3, NM_139348.3); c.1040C>T, p.Thr347Ile (NM_001320642.1); c.1073C>T, p.Thr358Ile (NM_139346.3); c.837+1528C>T (NM_001320634.1); c.909+1528C>T (NM_139351.3, NM_139350.3, NM_139349.3); c.954+1528C>T (NM_001320632.2, NM_004305.4); c.1002+1528C>T (NM_001320633.2, NM_139345.3, NM_139344.3); short protein forms T358I, T347I, T374I, T343I.
Identifiers: ClinVar variation 2893220 (VCV002893220.3), dbSNP rs2467250823, ClinGen allele CA348378373.

ClinVar aggregate classification (germline): Uncertain significance (1 of 4 stars; one submission).

Conditions:
Myopathy, centronuclear, 2 (CNM2). Also called: MYOTUBULAR MYOPATHY, AUTOSOMAL RECESSIVE. Identifiers: Orphanet 169186, MedGen CN031787, MONDO:0009709, OMIM 255200.

Allele frequency attached by ClinVar (database versions not stated): gnomAD exomes below 0.00001.

Submission:

Labcorp Genetics (formerly Invitae), Labcorp
Classification: Uncertain significance for Myopathy, centronuclear, 2. Last evaluated: 2024-01-03. Review status: criteria provided, single submitter. Criteria: Invitae Variant Classification Sherloc (09022015). Collection method: clinical testing. Allele origin: germline.
Comment: This sequence change replaces threonine, which is neutral and polar, with isoleucine, which is neutral and non-polar, at codon 374 of the BIN1 protein (p.Thr374Ile). This variant is not present in population databases (gnomAD no frequency). This variant has not been reported in the literature in individuals affected with BIN1-related conditions. An algorithm developed to predict the effect of missense changes on protein structure and function (PolyPhen-2) suggests that this variant is likely to be disruptive. In summary, the available evidence is currently insufficient to determine the role of this variant in disease. Therefore, it has been classified as a Variant of Uncertain Significance.